The following is an entry in ClinVar:

ClinVar aggregate classification (germline): Uncertain significance (1 of 4 stars; one submission).

Allele frequency attached by ClinVar (database versions not stated): gnomAD exomes below 0.00001.
gnomAD v4.1: 2 of 1,613,978 alleles (0.00012%); highest among the groups gnomAD compares: Non-Finnish European, 0.00017%; no homozygotes.

Submission:

GeneDx
Classification: Uncertain significance. Last evaluated: 2017-02-28. Review status: criteria provided, single submitter. Criteria: GeneDx Variant Classification (06012015). Collection method: clinical testing. Allele origin: germline. Affected: yes.
Comment: Missense variants in the TTN gene are considered 'unclassified' if they are not previously reported in the literature and do not have >1% frequency in the population to be considered a polymorphism. Research indicates that truncating variants in the TTN gene are expected to account for approximately 25% of familial and 18% of sporadic idiopathic DCM; however, truncating variants in the TTN gene have been reported in approximately 3% of reported control alleles. There has been little investigation into non-truncating variants. (Herman D et al. Truncations of titin causing dilated cardiomyopathy. N Eng J Med 366:619-628, 2012). Therefore, based on the currently available information, it is unclear whether this variant is a pathogenic variant or a rare benign variant.

NM_001267550.2(TTN):c.30467G>C (p.Arg10156Thr)

Gene: TTN (titin; minus strand). Cytogenetic location: 2q31.2.
Variant type: single nucleotide variant.
Coding change: c.30467G>C on transcript NM_001267550.2 (MANE Select); coding-DNA position 30467, G replaced by C.
Protein change: p.Arg10156Thr; replaces arginine 10156 with threonine.
Molecular consequence: missense variant. On other transcripts: intron variant (3).
Genome position (GRCh38, 1-based): chr2:178,702,212, C>G on the plus strand (G>C on the coding strand, the complement: TTN is on the minus strand). VCF-style: chr2-178702212-C-G. GRCh37 (hg19) VCF-style: chr2-179566939-C-G.
Other names: p.R9839T:AGA>ACA; c.29516G>C, p.Arg9839Thr (NM_001256850.1); c.26735G>C, p.Arg8912Thr (NM_133378.4); c.13282+35870G>C (NM_003319.4); c.13858+35870G>C (NM_133437.4); c.13657+35870G>C (NM_133432.3); short protein forms R10156T, R9839T, R8912T.
Identifiers: ClinVar variation 202556 (VCV000202556.2), dbSNP rs794729403, ClinGen allele CA309578.